The following is an entry in ClinVar:

NM_025137.4(SPG11):c.1013G>A (p.Trp338Ter)

Gene: SPG11 (SPG11 vesicle trafficking associated, spatacsin; minus strand). Cytogenetic location: 15q21.1.
Variant type: single nucleotide variant.
Coding change: c.1013G>A on transcript NM_025137.4 (MANE Select); coding-DNA position 1013, G replaced by A.
Protein change: p.Trp338Ter; replaces tryptophan 338 with a stop codon.
Molecular consequence: nonsense.
Genome position (GRCh38, 1-based): chr15:44,651,934, C>T on the plus strand (G>A on the coding strand, the complement: SPG11 is on the minus strand). VCF-style: chr15-44651934-C-T. GRCh37 (hg19) VCF-style: chr15-44944132-C-T.
Other names: c.1013G>A, p.Trp338Ter (NM_001160227.2, NM_001411132.1); short protein forms W338*.
Identifiers: ClinVar variation 2972745 (VCV002972745.3), dbSNP rs2505728928, ClinGen allele CA392236786.

ClinVar aggregate classification (germline): Pathogenic (1 of 4 stars; one submission).

Conditions:
Hereditary spastic paraplegia 11. Also called: Nakamura Osame syndrome; Autosomal recessive hereditary spastic paraplegia, mental impairment, and thin corpus callosum; Spastic Paraplegia 11; Spastic paraplegia, mental retardation and thin corpus callosum; SPASTIC PARAPLEGIA, AUTOSOMAL RECESSIVE, COMPLICATED, WITH THIN CORPUS CALLOSUM; SPASTIC PARAPLEGIA, AUTOSOMAL RECESSIVE, WITH MENTAL IMPAIRMENT AND THIN CORPUS CALLOSUM. Identifiers: Orphanet 2822, MedGen C1858479, MONDO:0011445, OMIM 604360.

Submission:

Labcorp Genetics (formerly Invitae), Labcorp
Classification: Pathogenic for Hereditary spastic paraplegia 11. Last evaluated: 2023-05-05. Review status: criteria provided, single submitter. Criteria: Invitae Variant Classification Sherloc (09022015). Collection method: clinical testing. Allele origin: germline.
Comment: For these reasons, this variant has been classified as Pathogenic. This premature translational stop signal has been observed in individual(s) with clinical features of hereditary spastic paraplegia (PMID: 31692161). This variant is not present in population databases (gnomAD no frequency). This sequence change creates a premature translational stop signal (p.Trp338*) in the SPG11 gene. It is expected to result in an absent or disrupted protein product. Loss-of-function variants in SPG11 are known to be pathogenic (PMID: 19105190, 20110243, 22154821, 26556829).

Literature cited by the submitters: PubMed 31692161; PubMed 19105190; PubMed 20110243; PubMed 22154821; PubMed 26556829.